The following is an entry in ClinVar:

ClinVar aggregate classification (germline): Uncertain significance (1 of 4 stars; one submission).

Conditions:
Giant axonal neuropathy 1 (GAN1). Also called: GIANT AXONAL NEUROPATHY 1, AUTOSOMAL RECESSIVE; GAN-Related Neurodegeneration. Identifiers: Orphanet 643, MedGen C1850386, MONDO:0009749, OMIM 256850.

gnomAD v4.1: 1 of 1,613,712 alleles (0.000062%); highest among the groups gnomAD compares: Non-Finnish European, 0.000085%; no homozygotes.

Submission:

Labcorp Genetics (formerly Invitae), Labcorp
Classification: Uncertain significance for Giant axonal neuropathy 1. Last evaluated: 2021-05-13. Review status: criteria provided, single submitter. Criteria: Invitae Variant Classification Sherloc (09022015). Collection method: clinical testing. Allele origin: germline.
Comment: Algorithms developed to predict the effect of missense changes on protein structure and function are either unavailable or do not agree on the potential impact of this missense change (SIFT: "Tolerated"; PolyPhen-2: "Probably Damaging"; Align-GVGD: "Class C0"). In summary, the available evidence is currently insufficient to determine the role of this variant in disease. Therefore, it has been classified as a Variant of Uncertain Significance. This variant has not been reported in the literature in individuals with GAN-related conditions. This variant is not present in population databases (ExAC no frequency). This sequence change replaces phenylalanine with leucine at codon 170 of the GAN protein (p.Phe170Leu). The phenylalanine residue is highly conserved and there is a small physicochemical difference between phenylalanine and leucine.

NM_022041.4(GAN):c.510C>G (p.Phe170Leu)

Gene: GAN (gigaxonin; plus strand). Cytogenetic location: 16q23.2.
Variant type: single nucleotide variant.
Coding change: c.510C>G on transcript NM_022041.4 (MANE Select); coding-DNA position 510, C replaced by G.
Protein change: p.Phe170Leu; replaces phenylalanine 170 with leucine.
Molecular consequence: missense variant. On other transcripts: 5 prime UTR variant (1).
Genome position (GRCh38, 1-based): chr16:81,354,632, C>G. VCF-style: chr16-81354632-C-G. GRCh37 (hg19) VCF-style: chr16-81388237-C-G.
Other names: c.-130C>G (NM_001377486.1); short protein forms F170L.
Identifiers: ClinVar variation 1416579 (VCV001416579.8), dbSNP rs1401068154, ClinGen allele CA396868708.